The following is an entry in ClinVar:

ClinVar aggregate classification (germline): Uncertain significance. Review status: criteria provided, multiple submitters, no conflicts (2 of 4 stars). 2 submissions from 2 submitters: Uncertain significance (2). Last evaluated 2024-03-02.

Conditions:
Charcot-Marie-Tooth disease axonal type 2O. Also called: Charcot-Marie-Tooth Neuropathy Type 2O; Charcot-Marie-Tooth disease, axonal, type 20; CHARCOT-MARIE-TOOTH NEUROPATHY, AXONAL, TYPE 2O; CHARCOT-MARIE-TOOTH DISEASE, AXONAL, AUTOSOMAL DOMINANT, TYPE 2O. Identifiers: Orphanet 284232, MedGen C3280220, MONDO:0013644, OMIM 614228.

Allele frequency attached by ClinVar (database versions not stated): TOPMed below 0.00001.

Submissions (2):

Labcorp Genetics (formerly Invitae), Labcorp
Classification: Uncertain significance for Charcot-Marie-Tooth disease axonal type 2O. Last evaluated: 2024-03-02. Review status: criteria provided, single submitter. Criteria: Invitae Variant Classification Sherloc (09022015). Collection method: clinical testing. Allele origin: germline.
Comment: This sequence change replaces glutamine, which is neutral and polar, with glutamic acid, which is acidic and polar, at codon 2424 of the DYNC1H1 protein (p.Gln2424Glu). This variant is not present in population databases (gnomAD no frequency). This variant has not been reported in the literature in individuals affected with DYNC1H1-related conditions. ClinVar contains an entry for this variant (Variation ID: 1330850). Advanced modeling of protein sequence and biophysical properties (such as structural, functional, and spatial information, amino acid conservation, physicochemical variation, residue mobility, and thermodynamic stability) performed at Invitae indicates that this missense variant is not expected to disrupt DYNC1H1 protein function with a negative predictive value of 95%. In summary, the available evidence is currently insufficient to determine the role of this variant in disease. Therefore, it has been classified as a Variant of Uncertain Significance.

ARUP Laboratories, Molecular Genetics and Genomics, ARUP Laboratories
Classification: Uncertain significance. Last evaluated: 2021-02-04. Review status: criteria provided, single submitter. Criteria: ARUP Molecular Germline Variant Investigation Process 2021. Collection method: clinical testing. Allele origin: germline.
Comment: The DYNC1H1 c.7270C>G; p.Gln2424Glu variant (rs1283596757), to our knowledge, is not reported in the medical literature or gene-specific databases. This variant is also absent from general population databases (Exome Variant Server, Genome Aggregation Database), indicating it is not a common polymorphism. The glutamine at codon 2424 is highly conserved, but computational analyses are uncertain whether this variant is neutral or deleterious (REVEL: 0.194). Due to limited information, the clinical significance of the p.Gln2424Glu variant is uncertain at this time.

NM_001376.5(DYNC1H1):c.7270C>G (p.Gln2424Glu)

Gene: DYNC1H1 (dynein cytoplasmic 1 heavy chain 1; plus strand). Cytogenetic location: 14q32.31.
Variant type: single nucleotide variant.
Coding change: c.7270C>G on transcript NM_001376.5 (MANE Select); coding-DNA position 7270, C replaced by G.
Protein change: p.Gln2424Glu; replaces glutamine 2424 with glutamic acid.
Molecular consequence: missense variant.
Genome position (GRCh38, 1-based): chr14:102,015,883, C>G. VCF-style: chr14-102015883-C-G. GRCh37 (hg19) VCF-style: chr14-102482220-C-G.
Other names: short protein forms Q2424E.
Identifiers: ClinVar variation 1330850 (VCV001330850.9), dbSNP rs1283596757, ClinGen allele CA391001761.